The following is an entry in ClinVar:

ClinVar aggregate classification (germline): Uncertain significance (1 of 4 stars; one submission).

Conditions:
Hereditary cancer-predisposing syndrome. Also called: Neoplastic Syndromes, Hereditary; Tumor predisposition; Hereditary neoplastic syndrome; Hereditary Cancer Syndrome. Identifiers: Orphanet 140162, MedGen C0027672, MeSH D009386, MONDO:0015356.

gnomAD v4.1: 1 of 1,608,988 alleles (0.000062%); highest among the groups gnomAD compares: African/African-American, 0.0013%; no homozygotes.

Submission:

Ambry Genetics
Classification: Uncertain significance for Hereditary cancer-predisposing syndrome. Last evaluated: 2026-07-06. Review status: criteria provided, single submitter. Criteria: Ambry Variant Classification Scheme 2023. Collection method: clinical testing. Allele origin: germline.
Comment: The p.K145E variant (also known as c.433A>G), located in coding exon 5 of the SDHC gene, results from an A to G substitution at nucleotide position 433. The lysine at codon 145 is replaced by glutamic acid, an amino acid with similar properties. This amino acid position is conserved. In addition, this alteration is predicted to be tolerated by in silico analysis. Based on the available evidence, the clinical significance of this variant remains unclear.

NM_003001.5(SDHC):c.*87A>G

Gene: SDHC (succinate dehydrogenase complex subunit C; plus strand). Cytogenetic location: 1q23.3.
Variant type: single nucleotide variant.
Coding change: c.*87A>G on transcript NM_003001.5 (MANE Select); 87 bases downstream of the stop codon, A replaced by G.
Molecular consequence: 3 prime UTR variant. On other transcripts: missense variant (3), non-coding transcript variant (1).
Genome position (GRCh38, 1-based): chr1:161,362,520, A>G. VCF-style: chr1-161362520-A-G. GRCh37 (hg19) VCF-style: chr1-161332310-A-G.
Other names: c.433A>G, p.Lys145Glu (NM_001035511.3); c.*87A>G (NM_001035512.3, NM_001035513.3, NM_001407115.1 and 5 more transcripts); c.331A>G, p.Lys111Glu (NM_001278172.3); c.376A>G, p.Lys126Glu (NM_001407121.1); short protein forms K126E, K145E, K111E.
Identifiers: ClinVar variation 5029338 (VCV005029338.1).